The following is an entry in ClinVar:

NM_024753.5(TTC21B):c.2995T>C (p.Cys999Arg)

Gene: TTC21B (tetratricopeptide repeat domain 21B; minus strand). Cytogenetic location: 2q24.3.
Variant type: single nucleotide variant.
Coding change: c.2995T>C on transcript NM_024753.5 (MANE Select); coding-DNA position 2995, T replaced by C.
Protein change: p.Cys999Arg; replaces cysteine 999 with arginine.
Molecular consequence: missense variant.
Genome position (GRCh38, 1-based): chr2:165,890,944, A>G on the plus strand (T>C on the coding strand, the complement: TTC21B is on the minus strand). VCF-style: chr2-165890944-A-G. GRCh37 (hg19) VCF-style: chr2-166747454-A-G.
Other names: short protein forms C999R.
Identifiers: ClinVar variation 2012272 (VCV002012272.4), dbSNP rs2468123298, ClinGen allele CA349048436.
Genomic context (GRCh38, chr2:165,890,944, plus strand): 5'-CTCTGGAGTTACGTTTCTCAGCCATTGAGAAAAATCTTGGGACATCCTCGAGTTTTCCAC[A>G]TCTTCTTAGGAGATCAATCAAACGAGATAATGTCATATAATTATCTAGAAACAAATAATA-3'
Protein context (NP_079029.3, residues 989-1009): LSRLIDLLRR[Cys999Arg]GKLEDVPRFF

ClinVar aggregate classification (germline): Uncertain significance (1 of 4 stars; one submission).

Conditions:
Nephronophthisis. Also called: Juvenile Nephronophthisis. Identifiers: Orphanet 655, MedGen C0687120, MONDO:0019005, HP:0000090.
Jeune thoracic dystrophy. Also called: Short-rib thoracic dysplasia; Jeune syndrome; Infantile thoracic dystrophy; Thoracic pelvic phalangeal dystrophy; Jeune's syndrome; Chondroectodermal dysplasia-like syndrome. Identifiers: Orphanet 474, MedGen C0265275, MONDO:0018770.

Submission:

Labcorp Genetics (formerly Invitae), Labcorp
Classification: Uncertain significance for Jeune thoracic dystrophy; Nephronophthisis. Last evaluated: 2022-06-29. Review status: criteria provided, single submitter. Criteria: Invitae Variant Classification Sherloc (09022015). Collection method: clinical testing. Allele origin: germline.
Comment: In summary, the available evidence is currently insufficient to determine the role of this variant in disease. Therefore, it has been classified as a Variant of Uncertain Significance. Algorithms developed to predict the effect of missense changes on protein structure and function (SIFT, PolyPhen-2, Align-GVGD) all suggest that this variant is likely to be tolerated. This variant has not been reported in the literature in individuals affected with TTC21B-related conditions. This variant is not present in population databases (gnomAD no frequency). This sequence change replaces cysteine, which is neutral and slightly polar, with arginine, which is basic and polar, at codon 999 of the TTC21B protein (p.Cys999Arg).